The following is an entry in ClinVar:

ClinVar aggregate classification (germline): Uncertain significance (1 of 4 stars; one submission).

Conditions:
Ataxia-telangiectasia-like disorder (ATLD). Identifiers: MedGen C1858391, MONDO:0011457.

Submission:

Labcorp Genetics (formerly Invitae), Labcorp
Classification: Uncertain significance for Ataxia-telangiectasia-like disorder. Last evaluated: 2018-03-12. Review status: criteria provided, single submitter. Criteria: Invitae Variant Classification Sherloc (09022015). Collection method: clinical testing. Allele origin: germline.
Comment: In summary, the available evidence is currently insufficient to determine the role of this variant in disease. Therefore, it has been classified as a Variant of Uncertain Significance. Algorithms developed to predict the effect of missense changes on protein structure and function (SIFT, PolyPhen-2, Align-GVGD) all suggest that this variant is likely to be disruptive, but these predictions have not been confirmed by published functional studies and their clinical significance is uncertain. This variant has not been reported in the literature in individuals with MRE11-related disease. This variant is not present in population databases (ExAC no frequency). This sequence change replaces valine with glycine at codon 122 of the MRE11 protein (p.Val122Gly). The valine residue is moderately conserved and there is a moderate physicochemical difference between valine and glycine.

NM_005591.4(MRE11):c.365T>G (p.Val122Gly)

Gene: MRE11 (MRE11 double strand break repair nuclease; minus strand). Cytogenetic location: 11q21.
Variant type: single nucleotide variant.
Coding change: c.365T>G on transcript NM_005591.4 (MANE Select); coding-DNA position 365, T replaced by G.
Protein change: p.Val122Gly; replaces valine 122 with glycine.
Molecular consequence: missense variant.
Genome position (GRCh38, 1-based): chr11:94,479,711, A>C on the plus strand (T>G on the coding strand, the complement: MRE11 is on the minus strand). VCF-style: chr11-94479711-A-C. GRCh37 (hg19) VCF-style: chr11-94212877-A-C.
Other names: c.365T>G, p.Val122Gly (NM_001330347.2, NM_005590.4); short protein forms V122G.
Identifiers: ClinVar variation 567891 (VCV000567891.10), dbSNP rs1565234530, ClinGen allele CA382378420.